The following is an entry in ClinVar:

NM_174934.4(SCN4B):c.533T>C (p.Ile178Thr)

Gene: SCN4B (sodium voltage-gated channel beta subunit 4; minus strand). Cytogenetic location: 11q23.3.
Variant type: single nucleotide variant.
Coding change: c.533T>C on transcript NM_174934.4 (MANE Select); coding-DNA position 533, T replaced by C.
Protein change: p.Ile178Thr; replaces isoleucine 178 with threonine.
Molecular consequence: missense variant. On other transcripts: non-coding transcript variant (1).
Genome position (GRCh38, 1-based): chr11:118,141,267, A>G on the plus strand (T>C on the coding strand, the complement: SCN4B is on the minus strand). VCF-style: chr11-118141267-A-G. GRCh37 (hg19) VCF-style: chr11-118011982-A-G.
Other names: c.131T>C, p.Ile44Thr (NM_001142348.2); c.203T>C, p.Ile68Thr (NM_001142349.2); short protein forms I44T, I68T, I178T.
Identifiers: ClinVar variation 1746930 (VCV001746930.3), dbSNP rs746641404, ClinGen allele CA6300171.

ClinVar aggregate classification (germline): Uncertain significance (1 of 4 stars; one submission).

Conditions:
Cardiovascular phenotype. Identifiers: MedGen CN230736.

Allele frequency attached by ClinVar (database versions not stated): gnomAD exomes 0.00001 and 0.00002; ExAC 0.00002.
gnomAD v4.1: 14 of 1,612,746 alleles (0.00087%); highest among the groups gnomAD compares: Middle Eastern, 0.02%; no homozygotes.

Submission:

Ambry Genetics
Classification: Uncertain significance for Cardiovascular phenotype. Last evaluated: 2025-01-04. Review status: criteria provided, single submitter. Criteria: Ambry Variant Classification Scheme 2023. Collection method: clinical testing. Allele origin: germline.
Comment: The p.I178T variant (also known as c.533T>C), located in coding exon 4 of the SCN4B gene, results from a T to C substitution at nucleotide position 533. The isoleucine at codon 178 is replaced by threonine, an amino acid with similar properties. This amino acid position is conserved. In addition, the in silico prediction for this alteration is inconclusive. Since supporting evidence is limited at this time, the clinical significance of this alteration remains unclear.